The following is an entry in ClinVar:

ClinVar aggregate classification (germline): Likely benign (0 of 4 stars; one submission).

Conditions:
AFF3-related disorder. Also called: AFF3-related condition.

Submission:

PreventionGenetics, part of Exact Sciences
Classification: Likely benign for AFF3-related condition. Last evaluated: 2022-06-16. Review status: no assertion criteria provided. Collection method: clinical testing. Allele origin: germline.
Comment: This variant is classified as likely benign based on ACMG/AMP sequence variant interpretation guidelines (Richards et al. 2015 PMID: 25741868, with internal and published modifications).

NM_001386135.1(AFF3):c.1395G>A (p.Lys465=)

Gene: AFF3 (ALF transcription elongation factor 3; minus strand). Cytogenetic location: 2q11.2.
Variant type: single nucleotide variant.
Coding change: c.1395G>A on transcript NM_001386135.1 (MANE Select); coding-DNA position 1395, G replaced by A.
Protein change: p.Lys465=; no amino-acid change (lysine 465 retained).
Molecular consequence: synonymous variant.
Genome position (GRCh38, 1-based): chr2:99,594,266, C>T on the plus strand (G>A on the coding strand, the complement: AFF3 is on the minus strand). VCF-style: chr2-99594266-C-T. GRCh37 (hg19) VCF-style: chr2-100210728-C-T.
Other names: c.1470G>A, p.Lys490= (NM_001025108.2); c.1395G>A, p.Lys465= (NM_002285.3).
Identifiers: ClinVar variation 3060909 (VCV003060909.2), dbSNP rs2546113132, ClinGen allele CA427585232.